The following is an entry in ClinVar:

ClinVar aggregate classification (germline): Uncertain significance. Review status: criteria provided, multiple submitters, no conflicts (2 of 4 stars). 3 submissions from 2 submitters: Uncertain significance (3). Last evaluated 2022-06-03.

Conditions:
Glaucoma 3, primary congenital, D. Identifiers: Orphanet 98976, MedGen C2751316, MONDO:0013122, OMIM 613086.
Weill-Marchesani syndrome. Also called: WM Syndrome; Mesodermal dysmorphodystrophy congenital. Identifiers: Orphanet 3449, MedGen C0265313, MONDO:0018096.

Allele frequency attached by ClinVar (database versions not stated): TOPMed 0.00006; gnomAD 0.00009 and 0.00011; ExAC 0.00010; gnomAD exomes 0.00012.

Submissions (3):

Labcorp Genetics (formerly Invitae), Labcorp
Classification: Uncertain significance. Last evaluated: 2022-06-03. Review status: criteria provided, single submitter. Criteria: Invitae Variant Classification Sherloc (09022015). Collection method: clinical testing. Allele origin: germline.
Comment: This sequence change replaces arginine, which is basic and polar, with histidine, which is basic and polar, at codon 1603 of the LTBP2 protein (p.Arg1603His). This variant is present in population databases (rs75200417, gnomAD 0.08%). This missense change has been observed in individual(s) with clinical features of LTBP2-related conditions (PMID: 19656777). ClinVar contains an entry for this variant (Variation ID: 885477). Algorithms developed to predict the effect of missense changes on protein structure and function output the following: SIFT: "Tolerated"; PolyPhen-2: "Benign"; Align-GVGD: "Class C0". The histidine amino acid residue is found in multiple mammalian species, which suggests that this missense change does not adversely affect protein function. In summary, the available evidence is currently insufficient to determine the role of this variant in disease. Therefore, it has been classified as a Variant of Uncertain Significance.

Illumina Laboratory Services, Illumina
Classification: Uncertain significance for Weill-Marchesani syndrome. Last evaluated: 2017-09-27. Review status: criteria provided, single submitter. Criteria: ICSL Variant Classification Criteria 13 December 2019. Collection method: clinical testing. Allele origin: germline.

Illumina Laboratory Services, Illumina
Classification: Uncertain significance for Glaucoma 3, primary congenital, D. Last evaluated: 2017-09-27. Review status: criteria provided, single submitter. Criteria: ICSL Variant Classification Criteria 13 December 2019. Collection method: clinical testing. Allele origin: germline.
Comment: This variant was observed as part of a predisposition screen in an ostensibly healthy population. A literature search was performed for the gene, cDNA change, and amino acid change (where applicable). Publications were found based on this search. However, the evidence from the literature, in combination with allele frequency data from public databases where available, was not sufficient to rule this variant in or out of causing disease. Therefore, this variant is classified as a variant of unknown significance.

Literature cited by the submitters: PubMed 19656777 (cited by Labcorp Genetics (formerly Invitae), Labcorp and Illumina Laboratory Services, Illumina); PubMed 23378721 (cited by Illumina Laboratory Services, Illumina).

NM_000428.3(LTBP2):c.4808G>A (p.Arg1603His)

Gene: LTBP2 (latent transforming growth factor beta binding protein 2; minus strand). Cytogenetic location: 14q24.3.
Variant type: single nucleotide variant.
Coding change: c.4808G>A on transcript NM_000428.3 (MANE Select); coding-DNA position 4808, G replaced by A.
Protein change: p.Arg1603His; replaces arginine 1603 with histidine.
Molecular consequence: missense variant.
Genome position (GRCh38, 1-based): chr14:74,503,299, C>T on the plus strand (G>A on the coding strand, the complement: LTBP2 is on the minus strand). VCF-style: chr14-74503299-C-T. GRCh37 (hg19) VCF-style: chr14-74970002-C-T.
Other names: short protein forms R1603H.
Identifiers: ClinVar variation 885477 (VCV000885477.5), dbSNP rs75200417, ClinGen allele CA7268626.